The following is an entry in ClinVar:

ClinVar aggregate classification (germline): Uncertain significance (1 of 4 stars; one submission).

Conditions:
Combined immunodeficiency due to LRBA deficiency. Also called: Common variable immunodeficiency 8, with autoimmunity. Identifiers: Orphanet 445018, MedGen C3553512, MONDO:0013863, OMIM 614700.

Allele frequency attached by ClinVar (database versions not stated): gnomAD exomes below 0.00001; TOPMed below 0.00001; ExAC 0.00001; gnomAD 0.00001.
gnomAD v4.1: 4 of 1,613,444 alleles (0.00025%); highest among the groups gnomAD compares: East Asian, 0.0089%; no homozygotes.

Submission:

Labcorp Genetics (formerly Invitae), Labcorp
Classification: Uncertain significance for Combined immunodeficiency due to LRBA deficiency. Last evaluated: 2022-06-23. Review status: criteria provided, single submitter. Criteria: Invitae Variant Classification Sherloc (09022015). Collection method: clinical testing. Allele origin: germline.
Comment: In summary, the available evidence is currently insufficient to determine the role of this variant in disease. Therefore, it has been classified as a Variant of Uncertain Significance. Algorithms developed to predict the effect of missense changes on protein structure and function are either unavailable or do not agree on the potential impact of this missense change (SIFT: "Deleterious"; PolyPhen-2: "Benign"; Align-GVGD: "Class C0"). This variant has not been reported in the literature in individuals affected with LRBA-related conditions. This variant is present in population databases (rs766137097, gnomAD 0.02%). This sequence change replaces proline, which is neutral and non-polar, with leucine, which is neutral and non-polar, at codon 2461 of the LRBA protein (p.Pro2461Leu).

NM_001364905.1(LRBA):c.7349C>T (p.Pro2450Leu)

Gene: LRBA (LPS responsive beige-like anchor protein; minus strand). Cytogenetic location: 4q31.3.
Variant type: single nucleotide variant.
Coding change: c.7349C>T on transcript NM_001364905.1 (MANE Select); coding-DNA position 7349, C replaced by T.
Protein change: p.Pro2450Leu; replaces proline 2450 with leucine.
Molecular consequence: missense variant.
Genome position (GRCh38, 1-based): chr4:150,350,005, G>A on the plus strand (C>T on the coding strand, the complement: LRBA is on the minus strand). VCF-style: chr4-150350005-G-A. GRCh37 (hg19) VCF-style: chr4-151271157-G-A.
Other names: c.7349C>T, p.Pro2450Leu (NM_001199282.3, NM_001367550.1); c.7382C>T, p.Pro2461Leu (NM_006726.5); short protein forms P2450L, P2461L.
Identifiers: ClinVar variation 2127404 (VCV002127404.4), dbSNP rs766137097, ClinGen allele CA3101681.
Genomic context (GRCh38, chr4:150,350,005, plus strand): 5'-TTAAATATACCTGACTATAAGTTGCTTTCTCAATTCAGATAACTTACCTCTCTCAACACA[G>A]GATCAGTTATTGAATTCAGATTGACAGCTCCTTCATAGGTCAAGTAATAGAACACATTGA-3'
Protein context (NP_001351834.1, residues 2440-2460): GAVNLNSITD[Pro2450Leu]VLREAVEAQI